The following is an entry in ClinVar:

ClinVar aggregate classification (germline): Uncertain significance. Review status: criteria provided, multiple submitters, no conflicts (2 of 4 stars). 2 submissions from 2 submitters: Uncertain significance (2). Last evaluated 2025-06-20.

Allele frequency attached by ClinVar (database versions not stated): gnomAD exomes 0.00002 and 0.00005; ExAC 0.00006; gnomAD 0.00016 and 0.00017; TOPMed 0.00019; 1000 Genomes Project 30x 0.00031; 1000 Genomes Project 0.00040.

Submissions (2):

Labcorp Genetics (formerly Invitae), Labcorp
Classification: Uncertain significance. Last evaluated: 2025-06-20. Review status: criteria provided, single submitter. Criteria: Invitae Variant Classification Sherloc (09022015). Collection method: clinical testing. Allele origin: germline.
Comment: This sequence change creates a premature translational stop signal (p.Gln396*) in the APOL1 gene. While this is not anticipated to result in nonsense mediated decay, it is expected to disrupt the last 3 amino acid(s) of the APOL1 protein. This variant is present in population databases (rs189551092, gnomAD 0.06%). This variant has not been reported in the literature in individuals affected with APOL1-related conditions. ClinVar contains an entry for this variant (Variation ID: 1520878). Experimental studies and prediction algorithms are not available or were not evaluated, and the functional significance of this variant is currently unknown. In summary, the available evidence is currently insufficient to determine the role of this variant in disease. Therefore, it has been classified as a Variant of Uncertain Significance.

Blueprint Genetics
Classification: Uncertain significance. Last evaluated: 2024-09-13. Review status: criteria provided, single submitter. Criteria: ACMG Guidelines, 2015. Collection method: clinical testing. Allele origin: germline.

NM_003661.4(APOL1):c.1186C>T (p.Gln396Ter)

Gene: APOL1 (apolipoprotein L1; plus strand). Cytogenetic location: 22q12.3.
Variant type: single nucleotide variant.
Coding change: c.1186C>T on transcript NM_003661.4 (MANE Select); coding-DNA position 1186, C replaced by T.
Protein change: p.Gln396Ter; replaces glutamine 396 with a stop codon.
Molecular consequence: nonsense.
Genome position (GRCh38, 1-based): chr22:36,266,022, C>T. VCF-style: chr22-36266022-C-T. GRCh37 (hg19) VCF-style: chr22-36662068-C-T.
Other names: c.1186C>T, p.Gln396Ter (NM_001136540.2); c.1132C>T, p.Gln378Ter (NM_001136541.2, NM_001362927.2); c.1234C>T, p.Gln412Ter (NM_145343.3); short protein forms Q412*, Q378*, Q396*.
Identifiers: ClinVar variation 1520878 (VCV001520878.5), dbSNP rs189551092, ClinGen allele CA10208858.